The following is an entry in ClinVar:

NM_006063.3(KLHL41):c.833T>C (p.Val278Ala)

Gene: KLHL41 (kelch like family member 41; plus strand). Cytogenetic location: 2q31.1.
Variant type: single nucleotide variant.
Coding change: c.833T>C on transcript NM_006063.3 (MANE Select); coding-DNA position 833, T replaced by C.
Protein change: p.Val278Ala; replaces valine 278 with alanine.
Molecular consequence: missense variant.
Genome position (GRCh38, 1-based): chr2:169,510,611, T>C. VCF-style: chr2-169510611-T-C. GRCh37 (hg19) VCF-style: chr2-170367121-T-C.
Other names: short protein forms V278A.
Identifiers: ClinVar variation 1051566 (VCV001051566.7), dbSNP rs751923233, ClinGen allele CA1956565.
Genomic context (GRCh38, chr2:169,510,611, plus strand): 5'-CTTTCGCAGGCAAACTCCCAGAACCTAGCAAAAATGCCGCGAAGACTGGGGCTGGTGAGG[T>C]GAATGGTGATGTTGGTGATGAAGATTTACTTCCTGGTTACCTGAATGACATTCCCAGGCA-3'
Protein context (NP_006054.2, residues 268-288): KNAAKTGAGE[Val278Ala]NGDVGDEDLL

ClinVar aggregate classification (germline): Uncertain significance. Review status: criteria provided, multiple submitters, no conflicts (2 of 4 stars). 2 submissions from 2 submitters: Uncertain significance (2). Last evaluated 2022-06-27.

Conditions:
Nemaline myopathy 9 (NEM9). Identifiers: MedGen C3810384, MONDO:0014326, OMIM 615731.

Allele frequency attached by ClinVar (database versions not stated): ExAC 0.00001; gnomAD 0.00003 and 0.00004; TOPMed 0.00003; gnomAD exomes 0.00004 and 0.00008.
gnomAD v4.1: 120 of 1,613,792 alleles (0.0074%); highest among the groups gnomAD compares: Non-Finnish European, 0.01%; no homozygotes.

Submissions (2):

Labcorp Genetics (formerly Invitae), Labcorp
Classification: Uncertain significance for Nemaline myopathy 9. Last evaluated: 2022-06-27. Review status: criteria provided, single submitter. Criteria: Invitae Variant Classification Sherloc (09022015). Collection method: clinical testing. Allele origin: germline.
Comment: This sequence change replaces valine, which is neutral and non-polar, with alanine, which is neutral and non-polar, at codon 278 of the KLHL41 protein (p.Val278Ala). This variant is present in population databases (rs751923233, gnomAD 0.009%). This variant has not been reported in the literature in individuals affected with KLHL41-related conditions. ClinVar contains an entry for this variant (Variation ID: 1051566). Algorithms developed to predict the effect of missense changes on protein structure and function (SIFT, PolyPhen-2, Align-GVGD) all suggest that this variant is likely to be tolerated. In summary, the available evidence is currently insufficient to determine the role of this variant in disease. Therefore, it has been classified as a Variant of Uncertain Significance.

Breakthrough Genomics
Classification: Uncertain significance. Review status: criteria provided, single submitter. Criteria: ACMG Guidelines, 2015. Collection method: not provided. Allele origin: germline. Inheritance: Autosomal recessive inheritance. Affected: yes.